The following is an entry in ClinVar:

ClinVar aggregate classification (germline): Uncertain significance (1 of 4 stars; one submission).

Conditions:
Fanconi anemia complementation group J. Also called: BRIP1-Related Fanconi Anemia. Identifiers: Orphanet 84, MedGen C1836860, MONDO:0012187, OMIM 609054.
Familial cancer of breast. Also called: BREAST CANCER, FAMILIAL; Hereditary breast cancer; hereditary breast carcinoma. Identifiers: Orphanet 227535, MedGen C0346153, MONDO:0016419, OMIM 114480. Disease mechanism: loss of function.

gnomAD v4.1: 1 of 1,613,798 alleles (0.000062%); highest among the groups gnomAD compares: Non-Finnish European, 0.000085%; no homozygotes.

Submission:

Labcorp Genetics (formerly Invitae), Labcorp
Classification: Uncertain significance for Familial cancer of breast; Fanconi anemia complementation group J. Last evaluated: 2025-12-02. Review status: criteria provided, single submitter. Criteria: Invitae Variant Classification Sherloc (09022015). Collection method: clinical testing. Allele origin: germline.
Comment: This sequence change replaces glycine, which is neutral and non-polar, with glutamic acid, which is acidic and polar, at codon 750 of the BRIP1 protein (p.Gly750Glu). This variant is not present in population databases (gnomAD no frequency). This variant has not been reported in the literature in individuals affected with BRIP1-related conditions. ClinVar contains an entry for this variant (Variation ID: 2949537). Invitae Evidence Modeling of protein sequence and biophysical properties (such as structural, functional, and spatial information, amino acid conservation, physicochemical variation, residue mobility, and thermodynamic stability) indicates that this missense variant is not expected to disrupt BRIP1 protein function with a negative predictive value of 95%. In summary, the available evidence is currently insufficient to determine the role of this variant in disease. Therefore, it has been classified as a Variant of Uncertain Significance.

NM_032043.3(BRIP1):c.2249G>A (p.Gly750Glu)

Gene: BRIP1 (BRCA1 interacting DNA helicase 1; minus strand). Cytogenetic location: 17q23.2.
Variant type: single nucleotide variant.
Coding change: c.2249G>A on transcript NM_032043.3 (MANE Select); coding-DNA position 2249, G replaced by A.
Protein change: p.Gly750Glu; replaces glycine 750 with glutamic acid.
Molecular consequence: missense variant.
Genome position (GRCh38, 1-based): chr17:61,744,440, C>T on the plus strand (G>A on the coding strand, the complement: BRIP1 is on the minus strand). VCF-style: chr17-61744440-C-T. GRCh37 (hg19) VCF-style: chr17-59821801-C-T.
Other names: short protein forms G750E.
Identifiers: ClinVar variation 2949537 (VCV002949537.3), dbSNP rs764061653, ClinGen allele CA400482828.
Genomic context (GRCh38, chr17:61,744,440, plus strand): 5'-ACTTTGTAATAAAAAATATTTTTTCACCGACCATGAAATAATTTCCAGTTACCTTTCTCT[C>T]CTTTGTATTTGATTGCGTCATAGTACACCTGCAGTAATTCATCAAAATTTGTTTTTTCTC-3'
Protein context (NP_114432.2, residues 740-760): QVYYDAIKYK[Gly750Glu]EKDGALLVAV